The following is an entry in ClinVar:

NM_212482.4(FN1):c.1288A>G (p.Asn430Asp)

Genes: FN1 (fibronectin 1; minus strand), LOC126806498 (CDK7 strongly-dependent group 2 enhancer GRCh37_chr2:216288045-216289244; plus strand). Cytogenetic location: 2q35.
Variant type: single nucleotide variant.
Coding change: c.1288A>G on transcript NM_212482.4 (MANE Select); coding-DNA position 1288, A replaced by G.
Protein change: p.Asn430Asp; replaces asparagine 430 with aspartic acid.
Molecular consequence: missense variant.
Genome position (GRCh38, 1-based): chr2:215,423,455, T>C on the plus strand (A>G on the coding strand, the complement: FN1 is on the minus strand). VCF-style: chr2-215423455-T-C. GRCh37 (hg19) VCF-style: chr2-216288178-T-C.
Other names: c.1288A>G, p.Asn430Asp (NM_001306129.2, NM_001306130.2, NM_001306131.2 and 14 more transcripts); short protein forms N430D.
Identifiers: ClinVar variation 4810326 (VCV004810326.1).

ClinVar aggregate classification (germline): Uncertain significance (1 of 4 stars; one submission).

gnomAD v4.1: 2 of 1,614,220 alleles (0.00012%); highest among the groups gnomAD compares: South Asian, 0.0011%; no homozygotes.

Submission:

Labcorp Genetics (formerly Invitae), Labcorp
Classification: Uncertain significance. Last evaluated: 2025-08-19. Review status: criteria provided, single submitter. Criteria: Invitae Variant Classification Sherloc (09022015). Collection method: clinical testing. Allele origin: germline.
Comment: This sequence change replaces asparagine, which is neutral and polar, with aspartic acid, which is acidic and polar, at codon 430 of the FN1 protein (p.Asn430Asp). This variant is not present in population databases (gnomAD no frequency). This variant has not been reported in the literature in individuals affected with FN1-related conditions. An algorithm developed to predict the effect of missense changes on protein structure and function (PolyPhen-2) suggests that this variant is likely to be disruptive. In summary, the available evidence is currently insufficient to determine the role of this variant in disease. Therefore, it has been classified as a Variant of Uncertain Significance.